The following is an entry in ClinVar:

NM_004370.6(COL12A1):c.4605T>C (p.Leu1535=)

Gene: COL12A1 (collagen type XII alpha 1 chain; minus strand). Cytogenetic location: 6q13.
Variant type: single nucleotide variant.
Coding change: c.4605T>C on transcript NM_004370.6 (MANE Select); coding-DNA position 4605, T replaced by C.
Protein change: p.Leu1535=; no amino-acid change (leucine 1535 retained).
Molecular consequence: synonymous variant.
Genome position (GRCh38, 1-based): chr6:75,145,411, A>G on the plus strand (T>C on the coding strand, the complement: COL12A1 is on the minus strand). VCF-style: chr6-75145411-A-G. GRCh37 (hg19) VCF-style: chr6-75855127-A-G.
Other names: c.4605T>C, p.Leu1535= (NM_001424113.1, NM_001424114.1); c.4332T>C, p.Leu1444= (NM_001424115.1); c.1113T>C, p.Leu371= (NM_001424116.1, NM_080645.3).
Identifiers: ClinVar variation 3761366 (VCV003761366.6).

ClinVar aggregate classification (germline): Likely benign. Review status: criteria provided, multiple submitters, no conflicts (2 of 4 stars). 2 submissions from 2 submitters: Likely benign (2). Last evaluated 2026-02-01.

Conditions:
Ullrich congenital muscular dystrophy 2 (UCMD2). Identifiers: Orphanet 75840, MedGen C4225314, MONDO:0014654, OMIM 616470.
Bethlem myopathy 2 (BTHLM2). Identifiers: Orphanet 536516, Orphanet 610, MedGen C4225313, MONDO:0034022, OMIM 616471.

gnomAD v4.1: 10 of 1,614,054 alleles (0.00062%); highest among the groups gnomAD compares: Non-Finnish European, 0.00059%; no homozygotes.

Submissions (2):

CeGaT Center for Human Genetics Tuebingen
Classification: Likely benign. Last evaluated: 2026-02-01. Review status: criteria provided, single submitter. Criteria: CeGaT Center For Human Genetics Tuebingen Variant Classification Criteria Version 2. Collection method: clinical testing. Allele origin: germline. Affected: yes. Observed: 1 variant allele.
Comment: COL12A1: BP4, BP7

Labcorp Genetics (formerly Invitae), Labcorp
Classification: Likely benign for Bethlem myopathy 2; Ullrich congenital muscular dystrophy 2. Last evaluated: 2024-11-27. Review status: criteria provided, single submitter. Criteria: Invitae Variant Classification Sherloc (09022015). Collection method: clinical testing. Allele origin: germline.